The following is an entry in ClinVar:

ClinVar aggregate classification (germline): Uncertain significance. Review status: criteria provided, multiple submitters, no conflicts (2 of 4 stars). 2 submissions from 2 submitters: Uncertain significance (2). Last evaluated 2022-02-28.

Conditions:
Lafora disease. Also called: Progressive Myoclonus Epilepsy, Lafora Type; Epilepsy progressive myoclonic 2. Identifiers: Orphanet 501, MedGen C0751783, MONDO:0009697.

Allele frequency attached by ClinVar (database versions not stated): gnomAD 0.00001; TOPMed 0.00001; ESP Exome Variant Server 0.00008.
gnomAD v4.1: 18 of 1,613,468 alleles (0.0011%); highest among the groups gnomAD compares: Non-Finnish European, 0.0015%; no homozygotes.

Submissions (2):

GeneDx
Classification: Uncertain significance. Last evaluated: 2022-02-28. Review status: criteria provided, single submitter. Criteria: GeneDx Variant Classification Process June 2021. Collection method: clinical testing. Allele origin: germline. Affected: yes.
Comment: Not observed at significant frequency in large population cohorts (gnomAD); In silico analysis supports that this missense variant has a deleterious effect on protein structure/function; Has not been previously published as pathogenic or benign to our knowledge

Labcorp Genetics (formerly Invitae), Labcorp
Classification: Uncertain significance for Lafora disease. Last evaluated: 2019-06-07. Review status: criteria provided, single submitter. Criteria: Invitae Variant Classification Sherloc (09022015). Collection method: clinical testing. Allele origin: germline.
Comment: This sequence change replaces arginine with cysteine at codon 140 of the NHLRC1 protein (p.Arg140Cys). The arginine residue is highly conserved and there is a large physicochemical difference between arginine and cysteine. This variant has not been reported in the literature in individuals with NHLRC1-related disease. ClinVar contains an entry for this variant (Variation ID: 410971). This variant is present in population databases (rs148035405, ExAC 0.008%). In summary, the available evidence is currently insufficient to determine the role of this variant in disease. Therefore, it has been classified as a Variant of Uncertain Significance. Algorithms developed to predict the effect of missense changes on protein structure and function (SIFT, PolyPhen-2, Align-GVGD) all suggest that this variant is likely to be tolerated, but these predictions have not been confirmed by published functional studies and their clinical significance is uncertain.

NM_198586.3(NHLRC1):c.418C>T (p.Arg140Cys)

Gene: NHLRC1 (NHL repeat containing E3 ubiquitin protein ligase 1; minus strand). Cytogenetic location: 6p22.3.
Variant type: single nucleotide variant.
Coding change: c.418C>T on transcript NM_198586.3 (MANE Select); coding-DNA position 418, C replaced by T.
Protein change: p.Arg140Cys; replaces arginine 140 with cysteine.
Molecular consequence: missense variant.
Genome position (GRCh38, 1-based): chr6:18,122,189, G>A on the plus strand (C>T on the coding strand, the complement: NHLRC1 is on the minus strand). VCF-style: chr6-18122189-G-A. GRCh37 (hg19) VCF-style: chr6-18122420-G-A.
Other names: short protein forms R140C.
Identifiers: ClinVar variation 410971 (VCV000410971.12), dbSNP rs148035405, ClinGen allele CA3650000.
Genomic context (GRCh38, chr6:18,122,189, plus strand): 5'-ATCCTCCCCCTGAGTCAAAAATCTTGACACGCCTCCTGCCGTCGTGCACCACCACGACAC[G>A]CCCCGTCTTGGGACAAAGCGCCAGTCCGGTGGGGTTGACCAGGGTCCCCCAGCCGCCGAA-3'
Protein context (NP_940988.2, residues 130-150): TGLALCPKTG[Arg140Cys]VVVVHDGRRR